The following is an entry in ClinVar:

NM_004820.5(CYP7B1):c.898A>G (p.Thr300Ala)

Gene: CYP7B1 (cytochrome P450 family 7 subfamily B member 1; minus strand). Cytogenetic location: 8q12.3.
Variant type: single nucleotide variant.
Coding change: c.898A>G on transcript NM_004820.5 (MANE Select); coding-DNA position 898, A replaced by G.
Protein change: p.Thr300Ala; replaces threonine 300 with alanine.
Molecular consequence: missense variant.
Genome position (GRCh38, 1-based): chr8:64,615,185, T>C on the plus strand (A>G on the coding strand, the complement: CYP7B1 is on the minus strand). VCF-style: chr8-64615185-T-C. GRCh37 (hg19) VCF-style: chr8-65527742-T-C.
Other names: c.898A>G, p.Thr300Ala (NM_001324112.2); short protein forms T300A.
Identifiers: ClinVar variation 1418548 (VCV001418548.5), dbSNP rs749129791, ClinGen allele CA4764117.
Genomic context (GRCh38, chr8:64,615,185, plus strand): 5'-CACGCACTGCTGCCATAGCTTCTGGGTGCCGCAGAAGATAATACATTGCCCAGAACATAG[T>C]TGGAATAGTGTTTGCCACAGAGGCCCAGAGAAAGCCTAAATGATGTGCTGGGAGAAAATA-3'
Protein context (NP_004811.1, residues 290-310): LWASVANTIP[Thr300Ala]MFWAMYYLLR

ClinVar aggregate classification (germline): Uncertain significance (1 of 4 stars; one submission).

Conditions:
Spastic paraplegia. Identifiers: MedGen C0037772, HP:0001258.

Allele frequency attached by ClinVar (database versions not stated): gnomAD exomes 0.00001 and 0.00003; TOPMed 0.00002; ExAC 0.00003.
gnomAD v4.1: 9 of 1,613,362 alleles (0.00056%); highest among the groups gnomAD compares: Admixed American, 0.012%; no homozygotes.

Submission:

Labcorp Genetics (formerly Invitae), Labcorp
Classification: Uncertain significance for Spastic paraplegia. Last evaluated: 2024-10-17. Review status: criteria provided, single submitter. Criteria: Invitae Variant Classification Sherloc (09022015). Collection method: clinical testing. Allele origin: germline.
Comment: This sequence change replaces threonine, which is neutral and polar, with alanine, which is neutral and non-polar, at codon 300 of the CYP7B1 protein (p.Thr300Ala). This variant is present in population databases (rs749129791, gnomAD 0.02%). This variant has not been reported in the literature in individuals affected with CYP7B1-related conditions. ClinVar contains an entry for this variant (Variation ID: 1418548). Invitae Evidence Modeling of protein sequence and biophysical properties (such as structural, functional, and spatial information, amino acid conservation, physicochemical variation, residue mobility, and thermodynamic stability) indicates that this missense variant is not expected to disrupt CYP7B1 protein function with a negative predictive value of 95%. In summary, the available evidence is currently insufficient to determine the role of this variant in disease. Therefore, it has been classified as a Variant of Uncertain Significance.